The following is an entry in ClinVar:

ClinVar aggregate classification (germline): Uncertain significance (1 of 4 stars; one submission).

Conditions:
Pierson syndrome. Also called: MICROCORIA-CONGENITAL NEPHROTIC SYNDROME. Identifiers: Orphanet 2670, MedGen C1836876, MONDO:0012184, OMIM 609049.
LAMB2-related infantile-onset nephrotic syndrome. Also called: NEPHROTIC SYNDROME, TYPE 5, WITHOUT OCULAR ABNORMALITIES; NEPHROTIC SYNDROME, TYPE 5, WITH OCULAR ABNORMALITIES; Nephrotic Syndrome, type 5. Identifiers: Orphanet 306507, MedGen C3280113, MONDO:0013621, OMIM 614199.

Allele frequency attached by ClinVar (database versions not stated): gnomAD 0.00001 and 0.00002; TOPMed 0.00001; gnomAD exomes 0.00002; ExAC 0.00003; 1000 Genomes Project 30x 0.00016; 1000 Genomes Project 0.00020.
gnomAD v4.1: 30 of 1,612,696 alleles (0.0019%); highest among the groups gnomAD compares: South Asian, 0.0088%; no homozygotes.

Submission:

Labcorp Genetics (formerly Invitae), Labcorp
Classification: Uncertain significance for LAMB2-related infantile-onset nephrotic syndrome; Pierson syndrome. Last evaluated: 2024-10-18. Review status: criteria provided, single submitter. Criteria: Invitae Variant Classification Sherloc (09022015). Collection method: clinical testing. Allele origin: germline.
Comment: This sequence change replaces arginine, which is basic and polar, with histidine, which is basic and polar, at codon 723 of the LAMB2 protein (p.Arg723His). This variant is present in population databases (rs542505535, gnomAD 0.01%). This variant has not been reported in the literature in individuals affected with LAMB2-related conditions. ClinVar contains an entry for this variant (Variation ID: 938510). An algorithm developed to predict the effect of missense changes on protein structure and function outputs the following: PolyPhen-2: "Benign". The histidine amino acid residue is found in multiple mammalian species, which suggests that this missense change does not adversely affect protein function. In summary, the available evidence is currently insufficient to determine the role of this variant in disease. Therefore, it has been classified as a Variant of Uncertain Significance.

NM_002292.4(LAMB2):c.2168G>A (p.Arg723His)

Gene: LAMB2 (laminin subunit beta 2; minus strand). Cytogenetic location: 3p21.31.
Variant type: single nucleotide variant.
Coding change: c.2168G>A on transcript NM_002292.4 (MANE Select); coding-DNA position 2168, G replaced by A.
Protein change: p.Arg723His; replaces arginine 723 with histidine.
Molecular consequence: missense variant.
Genome position (GRCh38, 1-based): chr3:49,126,143, C>T on the plus strand (G>A on the coding strand, the complement: LAMB2 is on the minus strand). VCF-style: chr3-49126143-C-T. GRCh37 (hg19) VCF-style: chr3-49163576-C-T.
Other names: short protein forms R723H.
Identifiers: ClinVar variation 938510 (VCV000938510.7), dbSNP rs542505535, ClinGen allele CA2394364.